The following is an entry in ClinVar:

ClinVar aggregate classification (germline): Uncertain significance. Review status: criteria provided, multiple submitters, no conflicts (2 of 4 stars). 3 submissions from 3 submitters: Uncertain significance (3). Last evaluated 2022-10-20.

Conditions:
Inborn genetic diseases. Identifiers: MedGen C0950123, MeSH D030342.
Autosomal dominant striatal neurodegeneration type 1. Identifiers: Orphanet 228169, MedGen C4310808, MONDO:0012205, OMIM 609161.

Allele frequency attached by ClinVar (database versions not stated): gnomAD exomes below 0.00001 and 0.00001; gnomAD 0.00001; TOPMed 0.00002.
gnomAD v4.1: 7 of 1,611,578 alleles (0.00043%); highest among the groups gnomAD compares: East Asian, 0.0022%; no homozygotes.

Submissions (3):

Institute of Human Genetics, University of Leipzig Medical Center
Classification: Uncertain significance for Autosomal dominant striatal neurodegeneration type 1. Last evaluated: 2022-10-20. Review status: criteria provided, single submitter. Criteria: ACMG Guidelines, 2015. Collection method: clinical testing. Allele origin: unknown. Affected: yes.
Comment: _x000D_ Criteria applied: PM2_SUP, PP3

Ambry Genetics
Classification: Uncertain significance for Inborn genetic diseases. Last evaluated: 2022-04-07. Review status: criteria provided, single submitter. Criteria: Ambry Variant Classification Scheme 2023. Collection method: clinical testing. Allele origin: germline.

Illumina Laboratory Services, Illumina
Classification: Uncertain significance for Autosomal dominant striatal neurodegeneration type 1. Last evaluated: 2018-01-13. Review status: criteria provided, single submitter. Criteria: ICSL Variant Classification Criteria 13 December 2019. Collection method: clinical testing. Allele origin: germline.

NM_003719.5(PDE8B):c.1447C>T (p.Arg483Trp)

Gene: PDE8B (phosphodiesterase 8B; plus strand). Cytogenetic location: 5q13.3.
Variant type: single nucleotide variant.
Coding change: c.1447C>T on transcript NM_003719.5 (MANE Select); coding-DNA position 1447, C replaced by T.
Protein change: p.Arg483Trp; replaces arginine 483 with tryptophan.
Molecular consequence: missense variant. On other transcripts: intron variant (1).
Genome position (GRCh38, 1-based): chr5:77,408,974, C>T. VCF-style: chr5-77408974-C-T. GRCh37 (hg19) VCF-style: chr5-76704799-C-T.
Other names: c.1156C>T, p.Arg386Trp (NM_001029851.4); c.1387C>T, p.Arg463Trp (NM_001029853.4); c.1306C>T, p.Arg436Trp (NM_001029854.4); c.1444C>T, p.Arg482Trp (NM_001349748.3, NM_001349751.3); c.1510C>T, p.Arg504Trp (NM_001349749.3); c.1207C>T, p.Arg403Trp (NM_001349750.3); c.1141C>T, p.Arg381Trp (NM_001349752.3); c.1075C>T, p.Arg359Trp (NM_001349753.2, NM_001376067.1, NM_001376068.1); and 12 more; short protein forms R285W, R334W, R335W, R381W, R436W, R483W, R262W, R265W.
Identifiers: ClinVar variation 905820 (VCV000905820.7), dbSNP rs1441711806, ClinGen allele CA360178414.